The following is an entry in ClinVar:

ClinVar aggregate classification (germline): Uncertain significance. Review status: criteria provided, single submitter (1 of 4 stars). 2 submissions from 2 submitters: Uncertain significance (1). 1 of the submissions does not count toward it. Last evaluated 2023-10-18.

Conditions:
CDKN1C-related disorder. Also called: CDKN1C-related condition.
Beckwith-Wiedemann syndrome (BWS). Also called: EMG SYNDROME; Exomphalos macroglossia gigantism syndrome. Identifiers: Orphanet 116, MedGen C0004903, MONDO:0007534, OMIM 130650.

Allele frequency attached by ClinVar (database versions not stated): gnomAD 0.00001.
gnomAD v4.1: 28 of 1,417,908 alleles (0.002%); highest among the groups gnomAD compares: Non-Finnish European, 0.0025%; no homozygotes.

Submissions (2):

Labcorp Genetics (formerly Invitae), Labcorp
Classification: Uncertain significance for Beckwith-Wiedemann syndrome. Last evaluated: 2023-10-18. Review status: criteria provided, single submitter. Criteria: Invitae Variant Classification Sherloc (09022015). Collection method: clinical testing. Allele origin: germline.
Comment: This sequence change replaces alanine, which is neutral and non-polar, with valine, which is neutral and non-polar, at codon 132 of the CDKN1C protein (p.Ala132Val). This variant is present in population databases (no rsID available, gnomAD 0.01%). This variant has not been reported in the literature in individuals affected with CDKN1C-related conditions. ClinVar contains an entry for this variant (Variation ID: 453999). Advanced modeling of protein sequence and biophysical properties (such as structural, functional, and spatial information, amino acid conservation, physicochemical variation, residue mobility, and thermodynamic stability) performed at Invitae indicates that this missense variant is not expected to disrupt CDKN1C protein function. In summary, the available evidence is currently insufficient to determine the role of this variant in disease. Therefore, it has been classified as a Variant of Uncertain Significance.

PreventionGenetics, part of Exact Sciences
Classification: Uncertain significance for CDKN1C-related condition. Last evaluated: 2024-08-09. Review status: no assertion criteria provided. Collection method: clinical testing. Allele origin: germline. Not counted in ClinVar's aggregate classification.
Comment: The CDKN1C c.395C>T variant is predicted to result in the amino acid substitution p.Ala132Val. To our knowledge, this variant has not been reported in the literature. This variant is reported in 0.012% of alleles in individuals of African descent in gnomAD. This variant is classified as a variant of uncertain significance in ClinVar. At this time, the clinical significance of this variant is uncertain due to the absence of conclusive functional and genetic evidence.

NM_001122630.2(CDKN1C):c.362C>T (p.Ala121Val)

Gene: CDKN1C (cyclin dependent kinase inhibitor 1C; minus strand). Cytogenetic location: 11p15.4.
Variant type: single nucleotide variant.
Coding change: c.362C>T on transcript NM_001122630.2 (MANE Select); coding-DNA position 362, C replaced by T.
Protein change: p.Ala121Val; replaces alanine 121 with valine.
Molecular consequence: missense variant. On other transcripts: intron variant (1).
Genome position (GRCh38, 1-based): chr11:2,885,095, G>A on the plus strand (C>T on the coding strand, the complement: CDKN1C is on the minus strand). VCF-style: chr11-2885095-G-A. GRCh37 (hg19) VCF-style: chr11-2906325-G-A.
Other names: c.395C>T, p.Ala132Val (LRG_533t1, NM_000076.2, NM_001362474.2); c.362C>T, p.Ala121Val (NM_001122631.2); c.255+107C>T (NM_001362475.2); short protein forms A132V, A121V.
Identifiers: ClinVar variation 453999 (VCV000453999.11), dbSNP rs1364155293, ClinGen allele CA379146782.
Genomic context (GRCh38, chr11:2,885,095, plus strand): 5'-GGGACTGGGGGCGGGGTGGACGCCGGGGCCGGGACCGGGACACTAGGCAGCTGCTCCGGC[G>A]CCTCCTCGAGGCCGTCGAGGGACTCAGCGGCCGGCTCGAGGGGCGGGCTGACAGCCACCG-3'
Protein context (NP_001116102.1, residues 111-131): AAESLDGLEE[Ala121Val]PEQLPSVPVP